The following is an entry in ClinVar:

NM_133510.4(RAD51B):c.316-12_316-3del

Gene: RAD51B (RAD51 paralog B; plus strand). Cytogenetic location: 14q24.1.
Variant type: Deletion.
Coding change: c.316-12_316-3del on transcript NM_133510.4 (MANE Select); 12 bases into the intron before coding-DNA position 316 through 3 bases into the intron before coding-DNA position 316, 10 bases deleted (TTTTTTTTTT; older notation c.316-12_316-3delTTTTTTTTTT).
Molecular consequence: intron variant.
Genome position (GRCh38, 1-based): chr14:67,864,991-67,865,000, TTTTTTTTTT deleted; deleting any 10 consecutive bases within chr14:67,864,962-67,865,000 gives the same sequence; the c. name uses the placement nearest the transcript's 3' end. VCF-style (leftmost placement, unchanged base first): chr14-67864961-CTTTTTTTTTT-C. GRCh37 (hg19) VCF-style: chr14-68331678-CTTTTTTTTTT-C.
Other names: c.316-12_316-3del (NM_001321818.2, NM_001321809.2, NM_001321821.2 and 6 more transcripts); c.-42-12_-42-3del (NM_001321817.2); c.202-12_202-3del (NM_001321815.1).
Identifiers: ClinVar variation 3026354 (VCV003026354.22), dbSNP rs745505141, ClinGen allele CA707973652.

ClinVar aggregate classification (germline): Likely benign (1 of 4 stars; one submission).

Submission:

CeGaT Center for Human Genetics Tuebingen
Classification: Likely benign. Last evaluated: 2024-11-01. Review status: criteria provided, single submitter. Criteria: CeGaT Center For Human Genetics Tuebingen Variant Classification Criteria Version 2. Collection method: clinical testing. Allele origin: germline. Affected: yes. Observed: 3 variant alleles.
Comment: RAD51B: BP4, BS2